The following is an entry in ClinVar:

NM_004006.3(DMD):c.2414C>T (p.Ser805Leu)

Gene: DMD (dystrophin; minus strand). Cytogenetic location: Xp21.1.
Variant type: single nucleotide variant.
Coding change: c.2414C>T on transcript NM_004006.3 (MANE Select); coding-DNA position 2414, C replaced by T.
Protein change: p.Ser805Leu; replaces serine 805 with leucine.
Molecular consequence: missense variant.
Genome position (GRCh38, 1-based): chrX:32,491,485, G>A on the plus strand (C>T on the coding strand, the complement: DMD is on the minus strand). VCF-style: chrX-32491485-G-A. GRCh37 (hg19) VCF-style: chrX-32509602-G-A.
Other names: c.2390C>T, p.Ser797Leu (NM_000109.4); c.2402C>T, p.Ser801Leu (NM_004009.3); c.2045C>T, p.Ser682Leu (NM_004010.3); short protein forms S682L, S797L, S801L, S805L.
Identifiers: ClinVar variation 4078482 (VCV004078482.2).

ClinVar aggregate classification (germline): Uncertain significance. Review status: criteria provided, multiple submitters, no conflicts (2 of 4 stars). 2 submissions from 2 submitters: Uncertain significance (2). Last evaluated 2025-02-25.

Conditions:
Duchenne muscular dystrophy (DMD). Also called: Duchenne Muscular Dystrophy (DMD); MUSCULAR DYSTROPHY, PSEUDOHYPERTROPHIC PROGRESSIVE, DUCHENNE TYPE. Identifiers: Orphanet 98896, MedGen C0013264, MONDO:0010679, OMIM 310200.

Submissions (2):

Revvity Omics, Revvity
Classification: Uncertain significance. Last evaluated: 2025-02-25. Review status: criteria provided, single submitter. Criteria: ACMG Guidelines, 2015. Collection method: clinical testing. Allele origin: germline.

Labcorp Genetics (formerly Invitae), Labcorp
Classification: Uncertain significance for Duchenne muscular dystrophy. Last evaluated: 2025-02-15. Review status: criteria provided, single submitter. Criteria: Invitae Variant Classification Sherloc (09022015). Collection method: clinical testing. Allele origin: germline.
Comment: This sequence change replaces serine, which is neutral and polar, with leucine, which is neutral and non-polar, at codon 805 of the DMD protein (p.Ser805Leu). This variant is present in population databases (no rsID available, gnomAD 0.007%). This variant has not been reported in the literature in individuals affected with DMD-related conditions. Invitae Evidence Modeling of protein sequence and biophysical properties (such as structural, functional, and spatial information, amino acid conservation, physicochemical variation, residue mobility, and thermodynamic stability) indicates that this missense variant is not expected to disrupt DMD protein function with a negative predictive value of 95%. In summary, the available evidence is currently insufficient to determine the role of this variant in disease. Therefore, it has been classified as a Variant of Uncertain Significance.